The following is an entry in ClinVar:

NM_015139.3(SLC35D1):c.976G>T (p.Val326Leu)

Gene: SLC35D1 (solute carrier family 35 member D1; minus strand). Cytogenetic location: 1p31.3.
Variant type: single nucleotide variant.
Coding change: c.976G>T on transcript NM_015139.3 (MANE Select); coding-DNA position 976, G replaced by T.
Protein change: p.Val326Leu; replaces valine 326 with leucine.
Molecular consequence: missense variant.
Genome position (GRCh38, 1-based): chr1:67,004,432, C>A on the plus strand (G>T on the coding strand, the complement: SLC35D1 is on the minus strand). VCF-style: chr1-67004432-C-A. GRCh37 (hg19) VCF-style: chr1-67470115-C-A.
Other names: c.976G>T (NM_015139.2); short protein forms V326L.
Identifiers: ClinVar variation 2166182 (VCV002166182.2), dbSNP rs1329780595, ClinGen allele CA340702229.
Genomic context (GRCh38, chr1:67,004,432, plus strand): 5'-TGTTATTAGCCTCTGACTGTTTGCTCAGCTGCTCTTCAGTGAAAGTGATATAGGAATATA[C>A]CAGGCTCCCAGCAATGCTGCAAAACAGAAAGCCACTATCAGAGATGGAGGAAGGGAGGGT-3'
Protein context (NP_055954.1, residues 316-336): GLNISIAGSL[Val326Leu]YSYITFTEEQ

ClinVar aggregate classification (germline): Uncertain significance. Review status: criteria provided, multiple submitters, no conflicts (2 of 4 stars). 2 submissions from 2 submitters: Uncertain significance (2). Last evaluated 2025-11-20.

Conditions:
Inborn genetic diseases. Identifiers: MedGen C0950123, MeSH D030342.
Schneckenbecken dysplasia. Identifiers: Orphanet 3144, MedGen C0432194, MONDO:0010013, OMIM 269250.

Allele frequency attached by ClinVar (database versions not stated): gnomAD exomes below 0.00001.
gnomAD v4.1: 1 of 1,613,832 alleles (0.000062%); highest among the groups gnomAD compares: Non-Finnish European, 0.000085%; no homozygotes.

Submissions (2):

Ambry Genetics
Classification: Uncertain significance for Inborn genetic diseases. Last evaluated: 2025-11-20. Review status: criteria provided, single submitter. Criteria: Ambry Variant Classification Scheme 2023. Collection method: clinical testing. Allele origin: germline.

Labcorp Genetics (formerly Invitae), Labcorp
Classification: Uncertain significance for Schneckenbecken dysplasia. Last evaluated: 2022-08-22. Review status: criteria provided, single submitter. Criteria: Invitae Variant Classification Sherloc (09022015). Collection method: clinical testing. Allele origin: germline.
Comment: This sequence change replaces valine, which is neutral and non-polar, with leucine, which is neutral and non-polar, at codon 326 of the SLC35D1 protein (p.Val326Leu). This variant is not present in population databases (gnomAD no frequency). This variant has not been reported in the literature in individuals affected with SLC35D1-related conditions. Algorithms developed to predict the effect of missense changes on protein structure and function (SIFT, PolyPhen-2, Align-GVGD) all suggest that this variant is likely to be tolerated. In summary, the available evidence is currently insufficient to determine the role of this variant in disease. Therefore, it has been classified as a Variant of Uncertain Significance.